The following is an entry in ClinVar:

ClinVar aggregate classification (germline): Likely benign. Review status: criteria provided, multiple submitters, no conflicts (2 of 4 stars). 7 submissions from 7 submitters: Likely benign (6). 1 of the submissions does not count toward it. Last evaluated 2026-01-26.

Conditions:
HMCN1-related disorder. Also called: HMCN1-related condition.
Age related macular degeneration 1 (ARMD1). Also called: MACULOPATHY, AGE-RELATED, 1. Identifiers: MedGen C1864205, MONDO:0011285, OMIM 603075.

Allele frequency attached by ClinVar (database versions not stated): 1000 Genomes Project 30x 0.00125; 1000 Genomes Project 0.00160; gnomAD 0.00218 and 0.00225; TOPMed 0.00233; ESP Exome Variant Server 0.00246; gnomAD exomes 0.00247 and 0.00267; ExAC 0.00266.
gnomAD v4.1: 4,214 of 1,605,644 alleles (0.26%); highest among the groups gnomAD compares: Admixed American, 0.35%; 6 homozygotes.

Submissions (10):

Labcorp Genetics (formerly Invitae), Labcorp
Classification: Likely benign. Last evaluated: 2026-01-26. Review status: criteria provided, single submitter. Criteria: Invitae Variant Classification Sherloc (09022015). Collection method: clinical testing. Allele origin: germline.

CeGaT Center for Human Genetics Tuebingen
Classification: Likely benign. Last evaluated: 2025-07-01. Review status: criteria provided, single submitter. Criteria: CeGaT Center For Human Genetics Tuebingen Variant Classification Criteria Version 2. Collection method: clinical testing. Allele origin: germline. Affected: yes. Observed: 1 variant allele.
Comment: HMCN1: BP4, BS2

Blueprint Genetics
Classification: Likely benign. Last evaluated: 2024-11-26. Review status: criteria provided, single submitter. Criteria: ACMG Guidelines, 2015. Collection method: clinical testing. Allele origin: germline.

Genome-Nilou Lab
Classification: Likely benign for Age related macular degeneration 1. Last evaluated: 2023-04-11. Review status: criteria provided, single submitter. Criteria: ACMG Guidelines, 2015. Collection method: clinical testing. Allele origin: germline. Affected: no.

Illumina Laboratory Services, Illumina
Classification: Likely benign for Age related macular degeneration 1. Last evaluated: 2018-01-13. Review status: criteria provided, single submitter. Criteria: ICSL Variant Classification Criteria 13 December 2019. Collection method: clinical testing. Allele origin: germline.
Comment: This variant was observed in the ICSL laboratory as part of a predisposition screen in an ostensibly healthy population. It had not been previously curated by ICSL or reported in the Human Gene Mutation Database (HGMD: prior to June 1st, 2018), and was therefore a candidate for classification through an automated scoring system. Utilizing variant allele frequency, disease prevalence and penetrance estimates, and inheritance mode, an automated score was calculated to assess if this variant is too frequent to cause the disease. Based on the score and internal cut-off values, a variant classified as likely benign is not then subjected to further curation. The score for this variant resulted in a classification of likely benign for this disease.

Breakthrough Genomics
Classification: Likely benign. Review status: criteria provided, single submitter. Criteria: ACMG Guidelines, 2015. Collection method: not provided. Allele origin: germline. Inheritance: Autosomal dominant inheritance. Affected: yes.

PreventionGenetics, part of Exact Sciences
Classification: Benign for HMCN1-related condition. Last evaluated: 2019-07-09. Review status: no assertion criteria provided. Collection method: clinical testing. Allele origin: germline. Not counted in ClinVar's aggregate classification.
Comment: This variant is classified as benign based on ACMG/AMP sequence variant interpretation guidelines (Richards et al. 2015 PMID: 25741868, with internal and published modifications).

Dr. Peter K. Rogan Lab, Western University
No classification provided (evidence only). Condition: Melanoma. Review status: no classification provided. Collection method: in vitro. Allele origin: not applicable. Functional consequence: retained intron. Not counted in ClinVar's aggregate classification.

Dr. Peter K. Rogan Lab, Western University
No classification provided (evidence only). Condition: Melanoma. Review status: no classification provided. Collection method: in vitro. Allele origin: not applicable. Functional consequence: retained intron. Not counted in ClinVar's aggregate classification.

Dr. Peter K. Rogan Lab, Western University
No classification provided (evidence only). Condition: Familial cancer of breast. Review status: no classification provided. Collection method: in vitro. Allele origin: not applicable. Functional consequence: retained intron. Not counted in ClinVar's aggregate classification.

NM_031935.3(HMCN1):c.15256+4A>T

Gene: HMCN1 (hemicentin 1; plus strand). Cytogenetic location: 1q31.1.
Variant type: single nucleotide variant.
Coding change: c.15256+4A>T on transcript NM_031935.3 (MANE Select); 4 bases into the intron after coding-DNA position 15256, A replaced by T.
Molecular consequence: intron variant.
Genome position (GRCh38, 1-based): chr1:186,153,991, A>T. VCF-style: chr1-186153991-A-T. GRCh37 (hg19) VCF-style: chr1-186123123-A-T.
Identifiers: ClinVar variation 294285 (VCV000294285.29), dbSNP rs184102616, ClinGen allele CA1295176.